The following is an entry in ClinVar:

ClinVar aggregate classification (germline): Uncertain significance. Review status: criteria provided, multiple submitters, no conflicts (2 of 4 stars). 3 submissions from 3 submitters: Uncertain significance (3). Last evaluated 2024-07-13.

Conditions:
Inborn genetic diseases. Identifiers: MedGen C0950123, MeSH D030342.

Allele frequency attached by ClinVar (database versions not stated): ExAC 0.00001; gnomAD exomes 0.00001; gnomAD 0.00002; TOPMed 0.00005.
gnomAD v4.1: 17 of 1,611,754 alleles (0.0011%); highest among the groups gnomAD compares: East Asian, 0.0045%; no homozygotes.

Submissions (3):

Labcorp Genetics (formerly Invitae), Labcorp
Classification: Uncertain significance. Last evaluated: 2024-07-13. Review status: criteria provided, single submitter. Criteria: Invitae Variant Classification Sherloc (09022015). Collection method: clinical testing. Allele origin: germline.
Comment: This sequence change replaces aspartic acid, which is acidic and polar, with asparagine, which is neutral and polar, at codon 1546 of the LRP5 protein (p.Asp1546Asn). This variant is present in population databases (rs768436809, gnomAD 0.007%). This variant has not been reported in the literature in individuals affected with LRP5-related conditions. ClinVar contains an entry for this variant (Variation ID: 1915470). Advanced modeling of protein sequence and biophysical properties (such as structural, functional, and spatial information, amino acid conservation, physicochemical variation, residue mobility, and thermodynamic stability) performed at Invitae indicates that this missense variant is not expected to disrupt LRP5 protein function with a negative predictive value of 95%. In summary, the available evidence is currently insufficient to determine the role of this variant in disease. Therefore, it has been classified as a Variant of Uncertain Significance.

ARUP Laboratories, Molecular Genetics and Genomics, ARUP Laboratories
Classification: Uncertain significance. Last evaluated: 2023-11-07. Review status: criteria provided, single submitter. Criteria: ARUP Molecular Germline Variant Investigation Process 2024. Collection method: clinical testing. Allele origin: germline.
Comment: The LRP5 c.4636G>A; p.Asp1546Asn variant (rs768436809), to our knowledge, is not reported in the medical literature but is reported in ClinVar (Variation ID: 1915470). This variant is found in the general population with an overall allele frequency of 0.0008% (2/248868 alleles) in the Genome Aggregation Database. Computational analyses predict that this variant is deleterious (REVEL: 0.713). However, given the lack of clinical and functional data, the significance of this variant is uncertain at this time.

Ambry Genetics
Classification: Uncertain significance for Inborn genetic diseases. Last evaluated: 2022-06-30. Review status: criteria provided, single submitter. Criteria: Ambry Variant Classification Scheme 2023. Collection method: clinical testing. Allele origin: germline.

NM_002335.4(LRP5):c.4636G>A (p.Asp1546Asn)

Gene: LRP5 (LDL receptor related protein 5; plus strand). Cytogenetic location: 11q13.2.
Variant type: single nucleotide variant.
Coding change: c.4636G>A on transcript NM_002335.4 (MANE Select); coding-DNA position 4636, G replaced by A.
Protein change: p.Asp1546Asn; replaces aspartic acid 1546 with asparagine.
Molecular consequence: missense variant.
Genome position (GRCh38, 1-based): chr11:68,448,858, G>A. VCF-style: chr11-68448858-G-A. GRCh37 (hg19) VCF-style: chr11-68216326-G-A.
Other names: c.2893G>A, p.Asp965Asn (NM_001291902.2); short protein forms D965N, D1546N.
Identifiers: ClinVar variation 1915470 (VCV001915470.7), dbSNP rs768436809, ClinGen allele CA6150472.